The following is an entry in ClinVar:

ClinVar aggregate classification (germline): not provided (0 of 4 stars; one submission).

Allele frequency attached by ClinVar (database versions not stated): gnomAD exomes 0.00001 and 0.00002; ExAC 0.00002; gnomAD 0.00004; TOPMed 0.00005.
gnomAD v4.1: 18 of 1,614,166 alleles (0.0011%); highest among the groups gnomAD compares: African/African-American, 0.02%; no homozygotes.

Submission:

Human Evolutionary Genetics, Institut Pasteur
No classification provided. Review status: no classification provided. Collection method: not provided. Allele origin: germline.
ClinVar note: Converted during submission from untested to not provided.

NM_006092.4(NOD1):c.285T>C (p.Asp95=)

Gene: NOD1 (nucleotide binding oligomerization domain containing 1; minus strand). Cytogenetic location: 7p14.3.
Variant type: single nucleotide variant.
Coding change: c.285T>C on transcript NM_006092.4 (MANE Select); coding-DNA position 285, T replaced by C.
Protein change: p.Asp95=; no amino-acid change (aspartic acid 95 retained).
Molecular consequence: synonymous variant. On other transcripts: non-coding transcript variant (1).
Genome position (GRCh38, 1-based): chr7:30,455,228, A>G on the plus strand (T>C on the coding strand, the complement: NOD1 is on the minus strand). VCF-style: chr7-30455228-A-G. GRCh37 (hg19) VCF-style: chr7-30494844-A-G.
Other names: c.285T>C, p.Asp95= (NM_001354849.2).
Identifiers: ClinVar variation 103109 (VCV000103109.2), dbSNP rs199475898, ClinGen allele CA230128.